The following is an entry in ClinVar:

ClinVar aggregate classification (germline): Uncertain significance. Review status: criteria provided, multiple submitters, no conflicts (2 of 4 stars). 2 submissions from 2 submitters: Uncertain significance (2). Last evaluated 2024-08-17.

Conditions:
Inborn genetic diseases. Identifiers: MedGen C0950123, MeSH D030342.
Alpha thalassemia-X-linked intellectual disability syndrome (ATRX). Also called: ALPHA-THALASSEMIA/MENTAL RETARDATION SYNDROME, X-LINKED; ATR, NONDELETION TYPE; ALPHA-THALASSEMIA/IMPAIRED INTELLECTUAL DEVELOPMENT SYNDROME, X-LINKED; X-linked alpha-thalassemia-mental retardation syndrome; ATR-X syndrome; Alpha thalassemia mental retardation syndrome, nondeletion type, X-linked. Identifiers: Orphanet 847, MedGen C1845055, MONDO:0010519, OMIM 301040.

Allele frequency attached by ClinVar (database versions not stated): gnomAD exomes below 0.00001; TOPMed 0.00001.
gnomAD v4.1: 2 of 1,210,303 alleles (0.00017%); highest among the groups gnomAD compares: African/African-American, 0.0035%; no homozygotes.

Submissions (2):

Labcorp Genetics (formerly Invitae), Labcorp
Classification: Uncertain significance for Alpha thalassemia-X-linked intellectual disability syndrome. Last evaluated: 2024-08-17. Review status: criteria provided, single submitter. Criteria: Invitae Variant Classification Sherloc (09022015). Collection method: clinical testing. Allele origin: germline.
Comment: This sequence change replaces lysine, which is basic and polar, with asparagine, which is neutral and polar, at codon 768 of the ATRX protein (p.Lys768Asn). This variant is not present in population databases (gnomAD no frequency). This variant has not been reported in the literature in individuals affected with ATRX-related conditions. ClinVar contains an entry for this variant (Variation ID: 521943). Invitae Evidence Modeling of protein sequence and biophysical properties (such as structural, functional, and spatial information, amino acid conservation, physicochemical variation, residue mobility, and thermodynamic stability) indicates that this missense variant is not expected to disrupt ATRX protein function with a negative predictive value of 95%. In summary, the available evidence is currently insufficient to determine the role of this variant in disease. Therefore, it has been classified as a Variant of Uncertain Significance.

Ambry Genetics
Classification: Uncertain significance for Inborn genetic diseases. Last evaluated: 2017-07-25. Review status: criteria provided, single submitter. Criteria: Ambry exome assertion method (8-5-2015). Collection method: clinical testing. Allele origin: germline. Affected: yes. Observed: 1 variant allele.

NM_000489.6(ATRX):c.2304G>C (p.Lys768Asn)

Gene: ATRX (ATRX chromatin remodeler; minus strand). Cytogenetic location: Xq21.1.
Variant type: single nucleotide variant.
Coding change: c.2304G>C on transcript NM_000489.6 (MANE Select); coding-DNA position 2304, G replaced by C.
Protein change: p.Lys768Asn; replaces lysine 768 with asparagine.
Molecular consequence: missense variant.
Genome position (GRCh38, 1-based): chrX:77,682,952, C>G on the plus strand (G>C on the coding strand, the complement: ATRX is on the minus strand). VCF-style: chrX-77682952-C-G. GRCh37 (hg19) VCF-style: chrX-76938444-C-G.
Other names: c.2190G>C, p.Lys730Asn (NM_138270.5); short protein forms K768N, K730N.
Identifiers: ClinVar variation 521943 (VCV000521943.12), dbSNP rs1557139920, ClinGen allele CA413712717.